The following is an entry in ClinVar:

ClinVar aggregate classification (germline): Uncertain significance. Review status: criteria provided, multiple submitters, no conflicts (2 of 4 stars). 2 submissions from 2 submitters: Uncertain significance (2). Last evaluated 2026-09-01.

gnomAD v4.1: 3 of 1,521,970 alleles (0.0002%); highest among the groups gnomAD compares: Non-Finnish European, 0.00018%; no homozygotes.

Submissions (2):

CeGaT Center for Human Genetics Tuebingen
Classification: Uncertain significance. Last evaluated: 2026-09-01. Review status: criteria provided, single submitter. Criteria: CeGaT Center For Human Genetics Tuebingen Variant Classification Criteria Version 2. Collection method: clinical testing. Allele origin: germline. Affected: yes. Observed: 1 variant allele.
Comment: PIEZO1: PM2, BP4

Revvity Omics, Revvity
Classification: Uncertain significance. Last evaluated: 2024-09-03. Review status: criteria provided, single submitter. Criteria: ACMG Guidelines, 2015. Collection method: clinical testing. Allele origin: germline.

NM_001142864.4(PIEZO1):c.2251G>A (p.Glu751Lys)

Genes: HSALR1 (HSP90AB1 associated lncRNA 1; plus strand), PIEZO1 (piezo type mechanosensitive ion channel component 1 (Er blood group); minus strand). Cytogenetic location: 16q24.3.
Variant type: single nucleotide variant.
Coding change: c.2251G>A on transcript NM_001142864.4 (MANE Select); coding-DNA position 2251, G replaced by A.
Protein change: p.Glu751Lys; replaces glutamic acid 751 with lysine.
Molecular consequence: missense variant.
Genome position (GRCh38, 1-based): chr16:88,733,984, C>T on the plus strand (G>A on the coding strand, the complement: PIEZO1 is on the minus strand). VCF-style: chr16-88733984-C-T. GRCh37 (hg19) VCF-style: chr16-88800392-C-T.
Other names: short protein forms E751K.
Identifiers: ClinVar variation 4079607 (VCV004079607.2).